The following is an entry in ClinVar:

ClinVar aggregate classification (germline): Uncertain significance (1 of 4 stars; one submission).

gnomAD v4.1: 5 of 1,211,520 alleles (0.00041%); highest among the groups gnomAD compares: South Asian, 0.0018%; no homozygotes.

Submission:

GeneDx
Classification: Uncertain significance. Last evaluated: 2020-12-17. Review status: criteria provided, single submitter. Criteria: GeneDx Variant Classification Process June 2021. Collection method: clinical testing. Allele origin: germline. Affected: yes.
Comment: In silico analysis supports that this missense variant does not alter protein structure/function; Has not been previously published as pathogenic or benign to our knowledge

NM_031407.7(HUWE1):c.5905C>T (p.Pro1969Ser)

Gene: HUWE1 (HECT, UBA and WWE domain containing E3 ubiquitin protein ligase 1; minus strand). Cytogenetic location: Xp11.22.
Variant type: single nucleotide variant.
Coding change: c.5905C>T on transcript NM_031407.7 (MANE Select); coding-DNA position 5905, C replaced by T.
Protein change: p.Pro1969Ser; replaces proline 1969 with serine.
Molecular consequence: missense variant.
Genome position (GRCh38, 1-based): chrX:53,575,768, G>A on the plus strand (C>T on the coding strand, the complement: HUWE1 is on the minus strand). VCF-style: chrX-53575768-G-A. GRCh37 (hg19) VCF-style: chrX-53602728-G-A.
Other names: short protein forms P1969S.
Identifiers: ClinVar variation 1303785 (VCV001303785.2), dbSNP rs2148006773, ClinGen allele CA413171332.